The following is an entry in ClinVar:

NM_001283009.2(RTEL1):c.2449T>C (p.Cys817Arg)

Genes: RTEL1 (regulator of telomere elongation helicase 1; plus strand), RTEL1-TNFRSF6B (RTEL1-TNFRSF6B readthrough (NMD candidate); plus strand). Cytogenetic location: 20q13.33.
Variant type: single nucleotide variant.
Coding change: c.2449T>C on transcript NM_001283009.2 (MANE Select); coding-DNA position 2449, T replaced by C.
Protein change: p.Cys817Arg; replaces cysteine 817 with arginine.
Molecular consequence: missense variant. On other transcripts: non-coding transcript variant (1).
Genome position (GRCh38, 1-based): chr20:63,690,840, T>C. VCF-style: chr20-63690840-T-C. GRCh37 (hg19) VCF-style: chr20-62322193-T-C.
Other names: c.1780T>C, p.Cys594Arg (NM_001283010.1); c.2449T>C, p.Cys817Arg (NM_016434.4); c.2521T>C, p.Cys841Arg (NM_032957.5); short protein forms C841R, C594R, C817R.
Identifiers: ClinVar variation 2947240 (VCV002947240.4), dbSNP rs1258031232, ClinGen allele CA409681476.

ClinVar aggregate classification (germline): Uncertain significance. Review status: criteria provided, multiple submitters, no conflicts (2 of 4 stars). 2 submissions from 2 submitters: Uncertain significance (2). Last evaluated 2025-06-23.

Conditions:
Dyskeratosis congenita, autosomal recessive 5 (DKCB5). Identifiers: MedGen C3554656, MONDO:0014076, OMIM 615190.
Pulmonary fibrosis and/or bone marrow failure, Telomere-related, 3. Also called: PULMONARY FIBROSIS AND/OR BONE MARROW FAILURE SYNDROME, TELOMERE-RELATED, 3. Identifiers: Orphanet 2032, MedGen C4225346, MONDO:0014613, OMIM 616373.
Inborn genetic diseases. Identifiers: MedGen C0950123, MeSH D030342.

Allele frequency attached by ClinVar (database versions not stated): gnomAD exomes below 0.00001.
gnomAD v4.1: 7 of 1,605,062 alleles (0.00044%); highest among the groups gnomAD compares: Non-Finnish European, 0.00051%; no homozygotes.

Submissions (2):

Labcorp Genetics (formerly Invitae), Labcorp
Classification: Uncertain significance for Dyskeratosis congenita, autosomal recessive 5; Pulmonary fibrosis and/or bone marrow failure, Telomere-related, 3. Last evaluated: 2025-06-23. Review status: criteria provided, single submitter. Criteria: Invitae Variant Classification Sherloc (09022015). Collection method: clinical testing. Allele origin: germline.
Comment: This sequence change replaces cysteine, which is neutral and slightly polar, with arginine, which is basic and polar, at codon 817 of the RTEL1 protein (p.Cys817Arg). This variant is not present in population databases (gnomAD no frequency). This variant has not been reported in the literature in individuals affected with RTEL1-related conditions. ClinVar contains an entry for this variant (Variation ID: 2947240). An algorithm developed to predict the effect of missense changes on protein structure and function (PolyPhen-2) suggests that this variant is likely to be disruptive. In summary, the available evidence is currently insufficient to determine the role of this variant in disease. Therefore, it has been classified as a Variant of Uncertain Significance.

Ambry Genetics
Classification: Uncertain significance for Inborn genetic diseases. Last evaluated: 2025-04-05. Review status: criteria provided, single submitter. Criteria: Ambry Variant Classification Scheme 2023. Collection method: clinical testing. Allele origin: germline.
Comment: The p.C817R variant (also known as c.2449T>C), located in coding exon 26 of the RTEL1 gene, results from a T to C substitution at nucleotide position 2449. The cysteine at codon 817 is replaced by arginine, an amino acid with highly dissimilar properties. This amino acid position is conserved. In addition, this alteration is predicted to be tolerated by in silico analysis. Based on the available evidence, the clinical significance of this variant remains unclear.